The following is an entry in ClinVar:

ClinVar aggregate classification (germline): Uncertain significance (1 of 4 stars; one submission).

Allele frequency attached by ClinVar (database versions not stated): TOPMed below 0.00001; gnomAD exomes 0.00001.

Submission:

Labcorp Genetics (formerly Invitae), Labcorp
Classification: Uncertain significance. Last evaluated: 2020-03-12. Review status: criteria provided, single submitter. Criteria: Invitae Variant Classification Sherloc (09022015). Collection method: clinical testing. Allele origin: germline.
Comment: In summary, the available evidence is currently insufficient to determine the role of this variant in disease. Therefore, it has been classified as a Variant of Uncertain Significance. Algorithms developed to predict the effect of missense changes on protein structure and function (SIFT, PolyPhen-2, Align-GVGD) all suggest that this variant is likely to be tolerated, but these predictions have not been confirmed by published functional studies and their clinical significance is uncertain. This variant has not been reported in the literature in individuals with CNGA1-related conditions. This variant is not present in population databases (ExAC no frequency). This sequence change replaces proline with threonine at codon 76 of the CNGA1 protein (p.Pro76Thr). The proline residue is moderately conserved and there is a small physicochemical difference between proline and threonine.

NM_001379270.1(CNGA1):c.214C>A (p.Pro72Thr)

Genes: CNGA1 (cyclic nucleotide gated channel subunit alpha 1; minus strand), LOC101927157 (uncharacterized LOC101927157; plus strand). Cytogenetic location: 4p12.
Variant type: single nucleotide variant.
Coding change: c.214C>A on transcript NM_001379270.1 (MANE Select); coding-DNA position 214, C replaced by A.
Protein change: p.Pro72Thr; replaces proline 72 with threonine.
Molecular consequence: missense variant.
Genome position (GRCh38, 1-based): chr4:47,951,363, G>T on the plus strand (C>A on the coding strand, the complement: CNGA1 is on the minus strand). VCF-style: chr4-47951363-G-T. GRCh37 (hg19) VCF-style: chr4-47953380-G-T.
Other names: c.214C>A, p.Pro72Thr (NM_000087.5, NM_001142564.2); short protein forms P72T.
Identifiers: ClinVar variation 1008886 (VCV001008886.8), dbSNP rs1315086330, ClinGen allele CA356834955.